The following is an entry in ClinVar:

NM_170707.4(LMNA):c.1247C>T (p.Thr416Ile)

Gene: LMNA (lamin A/C; plus strand). Cytogenetic location: 1q22.
Variant type: single nucleotide variant.
Coding change: c.1247C>T on transcript NM_170707.4 (MANE Select); coding-DNA position 1247, C replaced by T.
Protein change: p.Thr416Ile; replaces threonine 416 with isoleucine.
Molecular consequence: missense variant.
Genome position (GRCh38, 1-based): chr1:156,136,303, C>T. VCF-style: chr1-156136303-C-T. GRCh37 (hg19) VCF-style: chr1-156106094-C-T.
Other names: c.911C>T, p.Thr304Ile (NM_001257374.3); c.1004C>T, p.Thr335Ile (NM_001282624.2); c.1247C>T, p.Thr416Ile (NM_001282625.2, NM_001282626.2, NM_005572.4 and 1 more transcripts); short protein forms T304I, T335I, T416I.
Identifiers: ClinVar variation 1005530 (VCV001005530.8), dbSNP rs752367284, ClinGen allele CA049641.

ClinVar aggregate classification (germline): Uncertain significance. Review status: criteria provided, multiple submitters, no conflicts (2 of 4 stars). 2 submissions from 2 submitters: Uncertain significance (2). Last evaluated 2025-09-11.

Conditions:
Cardiomyopathy (CMYO). Also called: Cardiomyopathies. Identifiers: Orphanet 167848, MedGen C0878544, MONDO:0004994, HP:0001638. Inheritance: Various modes of inheritance.
Charcot-Marie-Tooth disease type 2. Also called: Charcot-Marie-Tooth type 2. Identifiers: Orphanet 64746, MedGen C0270914, MONDO:0018993.

Allele frequency attached by ClinVar (database versions not stated): ExAC 0.00001.

Submissions (2):

Color Diagnostics, LLC DBA Color Health
Classification: Uncertain significance for Cardiomyopathy. Last evaluated: 2025-09-11. Review status: criteria provided, single submitter. Criteria: ACMG Guidelines, 2015. Collection method: clinical testing. Allele origin: germline.
Comment: This missense variant replaces threonine with isoleucine at codon 416 of the LMNA protein. Computational prediction is inconclusive regarding the impact of this variant on protein structure and function. To our knowledge, functional studies have not been reported for this variant. This variant has not been reported in individuals affected with LMNA-related disorders in the literature. This variant has been identified in 1/250496 chromosomes in the general population by the Genome Aggregation Database (gnomAD). The available evidence is insufficient to determine the role of this variant in disease conclusively. Therefore, this variant is classified as a Variant of Uncertain Significance.

Labcorp Genetics (formerly Invitae), Labcorp
Classification: Uncertain significance for Charcot-Marie-Tooth disease type 2. Last evaluated: 2024-01-10. Review status: criteria provided, single submitter. Criteria: Invitae Variant Classification Sherloc (09022015). Collection method: clinical testing. Allele origin: germline.
Comment: This sequence change replaces threonine, which is neutral and polar, with isoleucine, which is neutral and non-polar, at codon 416 of the LMNA protein (p.Thr416Ile). This variant is present in population databases (rs752367284, gnomAD 0.0009%). This variant has not been reported in the literature in individuals affected with LMNA-related conditions. ClinVar contains an entry for this variant (Variation ID: 1005530). Advanced modeling of protein sequence and biophysical properties (such as structural, functional, and spatial information, amino acid conservation, physicochemical variation, residue mobility, and thermodynamic stability) performed at Invitae indicates that this missense variant is expected to disrupt LMNA protein function with a positive predictive value of 95%. In summary, the available evidence is currently insufficient to determine the role of this variant in disease. Therefore, it has been classified as a Variant of Uncertain Significance.